The following is an entry in ClinVar:

NM_001032386.2(SUOX):c.734T>C (p.Leu245Pro)

Gene: SUOX (sulfite oxidase; plus strand). Cytogenetic location: 12q13.2.
Variant type: single nucleotide variant.
Coding change: c.734T>C on transcript NM_001032386.2 (MANE Select); coding-DNA position 734, T replaced by C.
Protein change: p.Leu245Pro; replaces leucine 245 with proline.
Molecular consequence: missense variant.
Genome position (GRCh38, 1-based): chr12:56,004,123, T>C. VCF-style: chr12-56004123-T-C. GRCh37 (hg19) VCF-style: chr12-56397907-T-C.
Other names: c.734T>C, p.Leu245Pro (NM_000456.3, NM_001032387.2); short protein forms L245P.
Identifiers: ClinVar variation 1352002 (VCV001352002.5), dbSNP rs1452670495, ClinGen allele CA385287157.

ClinVar aggregate classification (germline): Uncertain significance. Review status: criteria provided, multiple submitters, no conflicts (2 of 4 stars). 2 submissions from 2 submitters: Uncertain significance (2). Last evaluated 2022-02-08.

Conditions:
Sulfite oxidase deficiency. Also called: Isolated sulfite oxidase deficiency. Identifiers: Orphanet 833, Orphanet 99731, MedGen C0268624, MONDO:0010089, OMIM 272300, HP:0003643.

Allele frequency attached by ClinVar (database versions not stated): gnomAD exomes below 0.00001 and 0.00001; gnomAD 0.00001; TOPMed 0.00002.

Submissions (2):

Labcorp Genetics (formerly Invitae), Labcorp
Classification: Uncertain significance for Sulfite oxidase deficiency. Last evaluated: 2022-02-08. Review status: criteria provided, single submitter. Criteria: Invitae Variant Classification Sherloc (09022015). Collection method: clinical testing. Allele origin: germline.
Comment: This sequence change replaces leucine, which is neutral and non-polar, with proline, which is neutral and non-polar, at codon 245 of the SUOX protein (p.Leu245Pro). This variant is present in population databases (no rsID available, gnomAD 0.004%). This variant has not been reported in the literature in individuals affected with SUOX-related conditions. Algorithms developed to predict the effect of missense changes on protein structure and function (SIFT, PolyPhen-2, Align-GVGD) all suggest that this variant is likely to be disruptive. In summary, the available evidence is currently insufficient to determine the role of this variant in disease. Therefore, it has been classified as a Variant of Uncertain Significance.

Breakthrough Genomics
Classification: Uncertain significance. Review status: criteria provided, single submitter. Criteria: ACMG Guidelines, 2015. Collection method: not provided. Allele origin: germline. Inheritance: Autosomal recessive inheritance. Affected: yes.